The following is an entry in ClinVar:

ClinVar aggregate classification (germline): Uncertain significance. Review status: criteria provided, multiple submitters, no conflicts (2 of 4 stars). 2 submissions from 2 submitters: Uncertain significance (2). Last evaluated 2025-07-14.

Conditions:
Inborn genetic diseases. Identifiers: MedGen C0950123, MeSH D030342.
Progressive myoclonic epilepsy type 7. Identifiers: Orphanet 435438, MedGen C4015420, MONDO:0014521, OMIM 616187.

Allele frequency attached by ClinVar (database versions not stated): gnomAD exomes below 0.00001 and 0.00001; ExAC 0.00001; gnomAD 0.00001; TOPMed 0.00001.
gnomAD v4.1: 7 of 1,614,124 alleles (0.00043%); highest among the groups gnomAD compares: Admixed American, 0.0017%; no homozygotes.

Submissions (2):

Ambry Genetics
Classification: Uncertain significance for Inborn genetic diseases. Last evaluated: 2025-07-14. Review status: criteria provided, single submitter. Criteria: Ambry Variant Classification Scheme 2023. Collection method: clinical testing. Allele origin: germline.

Labcorp Genetics (formerly Invitae), Labcorp
Classification: Uncertain significance for Progressive myoclonic epilepsy type 7. Last evaluated: 2022-01-13. Review status: criteria provided, single submitter. Criteria: Invitae Variant Classification Sherloc (09022015). Collection method: clinical testing. Allele origin: germline.
Comment: This variant has not been reported in the literature in individuals affected with KCNC1-related conditions. This sequence change replaces arginine, which is basic and polar, with glutamine, which is neutral and polar, at codon 237 of the KCNC1 protein (p.Arg237Gln). This variant is present in population databases (rs200015927, gnomAD 0.003%). ClinVar contains an entry for this variant (Variation ID: 1045848). Advanced modeling of protein sequence and biophysical properties (such as structural, functional, and spatial information, amino acid conservation, physicochemical variation, residue mobility, and thermodynamic stability) performed at Invitae indicates that this missense variant is not expected to disrupt KCNC1 protein function. Algorithms developed to predict the effect of sequence changes on RNA splicing suggest that this variant may create or strengthen a splice site. In summary, the available evidence is currently insufficient to determine the role of this variant in disease. Therefore, it has been classified as a Variant of Uncertain Significance.

NM_001112741.2(KCNC1):c.710G>A (p.Arg237Gln)

Gene: KCNC1 (potassium voltage-gated channel subfamily C member 1; plus strand). Cytogenetic location: 11p15.1.
Variant type: single nucleotide variant.
Coding change: c.710G>A on transcript NM_001112741.2 (MANE Select); coding-DNA position 710, G replaced by A.
Protein change: p.Arg237Gln; replaces arginine 237 with glutamine.
Molecular consequence: missense variant.
Genome position (GRCh38, 1-based): chr11:17,771,804, G>A. VCF-style: chr11-17771804-G-A. GRCh37 (hg19) VCF-style: chr11-17793351-G-A.
Other names: c.710G>A, p.Arg237Gln (NM_004976.4); c.710G>A (NM_001112741.1); short protein forms R237Q.
Identifiers: ClinVar variation 1045848 (VCV001045848.10), dbSNP rs200015927, ClinGen allele CA5906722.